The following is an entry in ClinVar:

NM_000212.3(ITGB3):c.1678del (p.Glu560fs)

Gene: ITGB3 (integrin subunit beta 3; plus strand). Cytogenetic location: 17q21.32.
Variant type: Deletion.
Coding change: c.1678del on transcript NM_000212.3 (MANE Select); coding-DNA position 1678, one base deleted (G; older notation c.1678delG).
Protein change: p.Glu560fs; shifts the reading frame from glutamic acid 560.
Molecular consequence: frameshift variant.
Genome position (GRCh38, 1-based): chr17:47,292,556, G deleted; the last of 5 consecutive G bases (chr17:47,292,552-47,292,556); deleting any one gives the same sequence. VCF-style (leftmost placement, unchanged base first): chr17-47292551-AG-A. GRCh37 (hg19) VCF-style: chr17-45369917-AG-A.
Other names: short protein forms E560fs.
Identifiers: ClinVar variation 4752364 (VCV004752364.1).

ClinVar aggregate classification (germline): Pathogenic (1 of 4 stars; one submission).

Submission:

Labcorp Genetics (formerly Invitae), Labcorp
Classification: Pathogenic. Last evaluated: 2025-12-17. Review status: criteria provided, single submitter. Criteria: Invitae Variant Classification Sherloc (09022015). Collection method: clinical testing. Allele origin: germline.
Comment: This sequence change creates a premature translational stop signal (p.Glu560Argfs*109) in the ITGB3 gene. It is expected to result in an absent or disrupted protein product. Loss-of-function variants in ITGB3 are known to be pathogenic (PMID: 21917754). The frequency data for this variant in the population databases is considered unreliable, as metrics indicate poor data quality at this position in the gnomAD database. This variant has not been reported in the literature in individuals affected with ITGB3-related conditions. For these reasons, this variant has been classified as Pathogenic.

Literature cited by the submitters: PubMed 21917754.